The following is an entry in ClinVar:

ClinVar aggregate classification (germline): Uncertain significance (1 of 4 stars; one submission).

Submission:

Labcorp Genetics (formerly Invitae), Labcorp
Classification: Uncertain significance. Last evaluated: 2024-01-16. Review status: criteria provided, single submitter. Criteria: Invitae Variant Classification Sherloc (09022015). Collection method: clinical testing. Allele origin: unknown.
Comment: This variant results in a copy number gain of the genomic region encompassing exon(s) 14-23 of the CAMK2B gene. This region includes the termination codon of the gene. This copy number gain extends beyond the assayed region for this gene and therefore may encompass additional genes. As the precise location of this event is unknown, it may be in tandem or it may be located elsewhere in the genome. This variant has not been reported in the literature in individuals affected with CAMK2B-related conditions. Experimental studies and prediction algorithms are not available or were not evaluated, and the functional significance of this variant is currently unknown. In summary, the available evidence is currently insufficient to determine the role of this variant in disease. Therefore, it has been classified as a Variant of Uncertain Significance.

NC_000007.13:g.(?_44259661)_(44274295_?)dup

Gene: CAMK2B (calcium/calmodulin dependent protein kinase II beta; minus strand). Cytogenetic location: 7p13.
Variant type: Duplication.
Identifiers: ClinVar variation 3245869 (VCV003245869.1).